The following is an entry in ClinVar:

ClinVar aggregate classification (germline): Uncertain significance. Review status: criteria provided, multiple submitters, no conflicts (2 of 4 stars). 2 submissions from 2 submitters: Uncertain significance (2). Last evaluated 2025-04-28.

Conditions:
Intellectual developmental disorder, autosomal dominant 71, with behavioral abnormalities (MRD71). Identifiers: MedGen C5830437, MONDO:0957228, OMIM 620330.

Submissions (2):

Clinical Genomics Laboratory, Washington University in St. Louis
Classification: Uncertain significance for Intellectual developmental disorder, autosomal dominant 71, with behavioral abnormalities. Last evaluated: 2025-04-28. Review status: criteria provided, single submitter. Criteria: ACMG Guidelines, 2015. Collection method: clinical testing. Allele origin: germline.
Comment: The RFX7 c.739T>C (p.Phe247Leu) variant, to our knowledge, has not been reported in the medical literature. This variant has been reported in the ClinVar database as a germline variant of uncertain significance by one submitter (Variation ID: 2575770). This variant is absent from the general population (gnomAD v.2.1.1), indicating it is not a common variant. Computational predictors are uncertain as to the impact of this variant on RFX7 function. Due to limited information, and based on ACMG/AMP guidelines for variant interpretation (Richards S et al., PMID: 25741868), the clinical significance of this variant is uncertain at this time.

GeneDx
Classification: Uncertain significance. Last evaluated: 2023-02-08. Review status: criteria provided, single submitter. Criteria: GeneDx Variant Classification Process June 2021. Collection method: clinical testing. Allele origin: germline. Affected: yes.
Comment: Not observed at significant frequency in large population cohorts (gnomAD); In silico analysis supports that this missense variant has a deleterious effect on protein structure/function; Has not been previously published as pathogenic or benign to our knowledge

NM_022841.7(RFX7):c.739T>C (p.Phe247Leu)

Gene: RFX7 (regulatory factor X7; minus strand). Cytogenetic location: 15q21.3.
Variant type: single nucleotide variant.
Coding change: c.739T>C on transcript NM_022841.7 (MANE Select); coding-DNA position 739, T replaced by C.
Protein change: p.Phe247Leu; replaces phenylalanine 247 with leucine.
Molecular consequence: missense variant.
Genome position (GRCh38, 1-based): chr15:56,101,431, A>G on the plus strand (T>C on the coding strand, the complement: RFX7 is on the minus strand). VCF-style: chr15-56101431-A-G. GRCh37 (hg19) VCF-style: chr15-56393629-A-G.
Other names: c.448T>C, p.Phe150Leu (NM_001368073.2, NM_001368074.1, NM_001370554.1); c.739T>C, p.Phe247Leu (NM_001370561.1); short protein forms F150L, F247L.
Identifiers: ClinVar variation 2575770 (VCV002575770.3), dbSNP rs2504998022, ClinGen allele CA392587156.
Genomic context (GRCh38, chr15:56,101,431, plus strand): 5'-CTGCCATTACAGTTAGAGCTGCCATTGACTTGGTGCCTATATAGTGACTTTTTACAAGGA[A>G]GCGGGCTAATTCCAAGACGGTGTCAAATGGTTGGCTTAACACTTTCTGGGCCCACTCACA-3'
Protein context (NP_073752.6, residues 237-257): PFDTVLELAR[Phe247Leu]LVKSHYIGTK